The following is an entry in ClinVar:

ClinVar aggregate classification (germline): Pathogenic. Review status: criteria provided, single submitter (1 of 4 stars). 2 submissions from 2 submitters: Pathogenic (1). 1 of the submissions does not count toward it. Last evaluated 2023-11-07.

Conditions:
Neuronal ceroid lipofuscinosis 1 (CLN1). Also called: PPT1-Related Neuronal Ceroid-Lipofuscinosis; CEROID LIPOFUSCINOSIS, NEURONAL, 1, VARIABLE AGE AT ONSET. Identifiers: Orphanet 228329, MedGen C1850451, MONDO:0009744, OMIM 256730.

Submissions (2):

Labcorp Genetics (formerly Invitae), Labcorp
Classification: Pathogenic for Neuronal ceroid lipofuscinosis 1. Last evaluated: 2023-11-07. Review status: criteria provided, single submitter. Criteria: Invitae Variant Classification Sherloc (09022015). Collection method: clinical testing. Allele origin: germline.
Comment: This sequence change creates a premature translational stop signal (p.Ala100Thrfs*3) in the PPT1 gene. It is expected to result in an absent or disrupted protein product. Loss-of-function variants in PPT1 are known to be pathogenic (PMID: 10679943, 21990111). This variant is not present in population databases (gnomAD no frequency). This variant has not been reported in the literature in individuals affected with PPT1-related conditions. ClinVar contains an entry for this variant (Variation ID: 371154). Algorithms developed to predict the effect of sequence changes on RNA splicing suggest that this variant may disrupt the consensus splice site. For these reasons, this variant has been classified as Pathogenic.

Counsyl
Classification: Likely pathogenic for Neuronal ceroid lipofuscinosis 1. Last evaluated: 2016-07-20. Review status: no assertion criteria provided. Collection method: clinical testing. Allele origin: unknown. Not counted in ClinVar's aggregate classification.

Literature cited by the submitters: PubMed 10679943 (cited by Labcorp Genetics (formerly Invitae), Labcorp); PubMed 21990111 (cited by Labcorp Genetics (formerly Invitae), Labcorp).

NM_000310.4(PPT1):c.294_297dup (p.Ala100fs)

Gene: PPT1 (palmitoyl-protein thioesterase 1; minus strand). Cytogenetic location: 1p34.2.
Variant type: Duplication.
Coding change: c.294_297dup on transcript NM_000310.4 (MANE Select); coding-DNA positions 294 to 297, 4 bases duplicated (ACTT; older notation c.294_297dupACTT).
Protein change: p.Ala100fs; shifts the reading frame from alanine 100.
Molecular consequence: frameshift variant. On other transcripts: intron variant (1).
Genome position (GRCh38, 1-based): chr1:40,092,110-40,092,113, AAGT duplicated on the plus strand (ACTT on the coding strand, the reverse complement: PPT1 is on the minus strand). VCF-style (leftmost placement, unchanged base first): chr1-40092109-C-CAAGT. GRCh37 (hg19) VCF-style: chr1-40557781-C-CAAGT.
Other names: c.294_297dup, p.Ala100fs (NM_001363695.2); c.125-2601_125-2598dup (NM_001142604.2); c.294_297dupACTT (NM_000310.3); short protein forms A100fs.
Identifiers: ClinVar variation 371154 (VCV000371154.6), dbSNP rs1057517049, ClinGen allele CA16040731.